The following is an entry in ClinVar:

NM_020975.6(RET):c.412C>T (p.Gln138Ter)

Gene: RET (ret proto-oncogene; plus strand). Cytogenetic location: 10q11.21.
Variant type: single nucleotide variant.
Coding change: c.412C>T on transcript NM_020975.6 (MANE Select); coding-DNA position 412, C replaced by T.
Protein change: p.Gln138Ter; replaces glutamine 138 with a stop codon.
Molecular consequence: nonsense. On other transcripts: intron variant (22).
Genome position (GRCh38, 1-based): chr10:43,102,416, C>T. VCF-style: chr10-43102416-C-T. GRCh37 (hg19) VCF-style: chr10-43597864-C-T.
Other names: c.412C>T, p.Gln138Ter (NM_001406743.1, NM_001406744.1, NM_001406759.1 and 14 more transcripts); c.338-55C>T (NM_001406764.1, NM_001406762.1, NM_001406761.1 and 4 more transcripts); c.337+1694C>T (NM_001406770.1, NM_001406766.1, NM_001406767.1 and 8 more transcripts); c.74-6615C>T (NM_001406784.1); c.74-9683C>T (NM_001406794.1, NM_001406792.1, NM_001406793.1); short protein forms Q138*.
Identifiers: ClinVar variation 4996388 (VCV004996388.1).
Genomic context (GRCh38, chr10:43,102,416, plus strand): 5'-CTGCTCACCGTCTACCTCAAGGTCTTCCTGTCACCCACATCCCTTCGTGAGGGCGAGTGC[C>T]AGTGGCCAGGCTGTGCCCGCGTATACTTCTCCTTCTTCAACACCTCCTTTCCAGCCTGCA-3'

ClinVar aggregate classification (germline): Likely pathogenic (1 of 4 stars; one submission).

Conditions:
RET-related disorder. Also called: RET-related condition; RET-related disease; RET-related disorders.

Submission:

PreventionGenetics, part of Exact Sciences
Classification: Likely pathogenic for RET-related condition. Last evaluated: 2026-08-19. Review status: criteria provided, single submitter. Criteria: ACMG Guidelines, 2015. Collection method: clinical testing. Allele origin: germline.
Comment: The RET c.412C>T variant is predicted to result in premature protein termination (p.Gln138*). To our knowledge, this variant has not been reported in the literature or in a large population database (gnomAD), indicating this variant is rare. At the time of reporting this variant is absent in ClinVar. Nonsense variants in RET are expected to be pathogenic. This variant is interpreted as likely pathogenic.